The following is an entry in ClinVar:

ClinVar aggregate classification (germline): Pathogenic (1 of 4 stars; one submission).

Submission:

GeneDx
Classification: Pathogenic. Last evaluated: 2018-01-19. Review status: criteria provided, single submitter. Criteria: GeneDx Variant Classification (06012015). Collection method: clinical testing. Allele origin: germline. Affected: yes.
Comment: The c.327delA variant in the WDR26 gene has not been reported previously as a pathogenic variant nor as a benign variant, to our knowledge. This variant causes a frameshift starting with codon Glutamic acid 109, changes this amino acid to an Aspartic acid residue, and creates a premature Stop codon at position 22 of the new reading frame, denoted p.Glu109AspfsX22. The c.327delA variant is predicted to cause loss of normal protein function either through protein truncation or nonsense-mediated mRNA decay. This variant is not observed in large population cohorts (Lek et al., 2016). We interpret c.327delA as a pathogenic variant, consistent with the developmental delays, intellectual disability, and cardiac defects reported in this individual.

NM_001379403.1(WDR26):c.627del (p.Glu209fs)

Gene: WDR26 (WD repeat domain 26; minus strand). Cytogenetic location: 1q42.12.
Variant type: Deletion.
Coding change: c.627del on transcript NM_001379403.1 (MANE Select); coding-DNA position 627, one base deleted (A; older notation c.627delA).
Protein change: p.Glu209fs; shifts the reading frame from glutamic acid 209.
Molecular consequence: frameshift variant.
Genome position (GRCh38, 1-based): chr1:224,433,779, T deleted on the plus strand (A on the coding strand, the reverse complement: WDR26 is on the minus strand); the first of 2 consecutive T bases (chr1:224,433,779-224,433,780); deleting either gives the same sequence. VCF-style (leftmost placement, unchanged base first): chr1-224433778-GT-G. GRCh37 (hg19) VCF-style: chr1-224621480-GT-G.
Other names: c.327delA (NM_025160.6); c.327del, p.Glu109fs (NM_001115113.3, NM_025160.7); short protein forms E109fs, E209fs.
Identifiers: ClinVar variation 504158 (VCV000504158.2), dbSNP rs1553363770, ClinGen allele CA658795606.
Genomic context (GRCh38, chr1:224,433,778, plus strand): 5'-GCCTAATGACATCCTCATCTGACTGGGAGAGCCGCTTCTTCTTCTTGAGGCTGCTGCCCA[GT>G]TCTGGGGTGGCCAAGGAAGAGGAGGCGGCGGTGGTGGCGGAGGCAGCTGCGACGGTGGCT-3'